The following is an entry in ClinVar:

ClinVar aggregate classification (germline): Uncertain significance. Review status: criteria provided, multiple submitters, no conflicts (2 of 4 stars). 2 submissions from 2 submitters: Uncertain significance (2). Last evaluated 2022-05-16.

Conditions:
Inborn genetic diseases. Identifiers: MedGen C0950123, MeSH D030342.

Allele frequency attached by ClinVar (database versions not stated): ExAC 0.00001; gnomAD 0.00001; gnomAD exomes 0.00001.
gnomAD v4.1: 11 of 1,606,070 alleles (0.00068%); highest among the groups gnomAD compares: Admixed American, 0.0034%; no homozygotes.

Submissions (2):

Labcorp Genetics (formerly Invitae), Labcorp
Classification: Uncertain significance. Last evaluated: 2022-05-16. Review status: criteria provided, single submitter. Criteria: Invitae Variant Classification Sherloc (09022015). Collection method: clinical testing. Allele origin: germline.
Comment: In summary, the available evidence is currently insufficient to determine the role of this variant in disease. Therefore, it has been classified as a Variant of Uncertain Significance. Algorithms developed to predict the effect of missense changes on protein structure and function output the following: SIFT: "Not Available"; PolyPhen-2: "Benign"; Align-GVGD: "Not Available". The threonine amino acid residue is found in multiple mammalian species, which suggests that this missense change does not adversely affect protein function. This variant has not been reported in the literature in individuals affected with TCF3-related conditions. The frequency data for this variant in the population databases is considered unreliable, as metrics indicate poor data quality at this position in the gnomAD database. This sequence change replaces alanine, which is neutral and non-polar, with threonine, which is neutral and polar, at codon 281 of the TCF3 protein (p.Ala281Thr).

Ambry Genetics
Classification: Uncertain significance for Inborn genetic diseases. Last evaluated: 2022-03-29. Review status: criteria provided, single submitter. Criteria: Ambry Variant Classification Scheme 2023. Collection method: clinical testing. Allele origin: germline.

NM_003200.5(TCF3):c.841G>A (p.Ala281Thr)

Gene: TCF3 (transcription factor 3; minus strand). Cytogenetic location: 19p13.3.
Variant type: single nucleotide variant.
Coding change: c.841G>A on transcript NM_003200.5 (MANE Select); coding-DNA position 841, G replaced by A.
Protein change: p.Ala281Thr; replaces alanine 281 with threonine.
Molecular consequence: missense variant.
Genome position (GRCh38, 1-based): chr19:1,621,952, C>T on the plus strand (G>A on the coding strand, the complement: TCF3 is on the minus strand). VCF-style: chr19-1621952-C-T. GRCh37 (hg19) VCF-style: chr19-1621951-C-T.
Other names: c.841G>A, p.Ala281Thr (NM_001136139.4, NM_001351778.2, NM_001351779.2); short protein forms A281T.
Identifiers: ClinVar variation 1907374 (VCV001907374.6), dbSNP rs763413714, ClinGen allele CA9050198.